The following is an entry in ClinVar:

ClinVar aggregate classification (germline): Uncertain significance (1 of 4 stars; one submission).

Conditions:
Familial thoracic aortic aneurysm and aortic dissection (TAAD). Also called: Thoracic aortic aneurysms and dissections. Identifiers: Orphanet 91387, MedGen C4707243, MONDO:0019625.

Submission:

Color Diagnostics, LLC DBA Color Health
Classification: Uncertain significance for Familial thoracic aortic aneurysm and aortic dissection. Last evaluated: 2021-06-21. Review status: criteria provided, single submitter. Criteria: ACMG Guidelines, 2015. Collection method: clinical testing. Allele origin: germline.
Comment: This missense variant replaces glycine with serine at codon 1199 of the COL3A1 protein. Computational prediction suggests that this variant may not impact protein structure and function (internally defined REVEL score threshold <= 0.5, PMID: 27666373). To our knowledge, functional studies have not been reported for this variant. This variant has not been reported in individuals affected with cardiovascular disorders in the literature. This variant has not been identified in the general population by the Genome Aggregation Database (gnomAD). The available evidence is insufficient to determine the role of this variant in disease conclusively. Therefore, this variant is classified as a Variant of Uncertain Significance.

NM_000090.4(COL3A1):c.3595G>A (p.Gly1199Ser)

Gene: COL3A1 (collagen type III alpha 1 chain; plus strand). Cytogenetic location: 2q32.2.
Variant type: single nucleotide variant.
Coding change: c.3595G>A on transcript NM_000090.4 (MANE Select); coding-DNA position 3595, G replaced by A.
Protein change: p.Gly1199Ser; replaces glycine 1199 with serine.
Molecular consequence: missense variant.
Genome position (GRCh38, 1-based): chr2:189,008,993, G>A. VCF-style: chr2-189008993-G-A. GRCh37 (hg19) VCF-style: chr2-189873719-G-A.
Other names: short protein forms G1199S.
Identifiers: ClinVar variation 1332230 (VCV001332230.2), dbSNP rs2153504082, ClinGen allele CA349846706.